The following is an entry in ClinVar:

ClinVar aggregate classification (germline): Uncertain significance. Review status: criteria provided, multiple submitters, no conflicts (2 of 4 stars). 2 submissions from 2 submitters: Uncertain significance (2). Last evaluated 2025-04-12.

Conditions:
Holocarboxylase synthetase deficiency. Also called: MULTIPLE CARBOXYLASE DEFICIENCY, EARLY ONSET. Identifiers: Orphanet 79242, MedGen C0268581, MONDO:0009666, OMIM 253270.
Inborn genetic diseases. Identifiers: MedGen C0950123, MeSH D030342.

Allele frequency attached by ClinVar (database versions not stated): gnomAD exomes 0.00001; ExAC 0.00002; gnomAD 0.00003; TOPMed 0.00008; 1000 Genomes Project 30x 0.00016; 1000 Genomes Project 0.00020.
gnomAD v4.1: 17 of 1,614,118 alleles (0.0011%); highest among the groups gnomAD compares: Admixed American, 0.01%; no homozygotes.

Submissions (2):

Ambry Genetics
Classification: Uncertain significance for Inborn genetic diseases. Last evaluated: 2025-04-12. Review status: criteria provided, single submitter. Criteria: Ambry Variant Classification Scheme 2023. Collection method: clinical testing. Allele origin: germline.

Labcorp Genetics (formerly Invitae), Labcorp
Classification: Uncertain significance for Holocarboxylase synthetase deficiency. Last evaluated: 2022-03-01. Review status: criteria provided, single submitter. Criteria: Invitae Variant Classification Sherloc (09022015). Collection method: clinical testing. Allele origin: germline.
Comment: This sequence change replaces lysine, which is basic and polar, with glutamic acid, which is acidic and polar, at codon 160 of the HLCS protein (p.Lys160Glu). This variant is present in population databases (rs199506593, gnomAD 0.009%). This variant has not been reported in the literature in individuals affected with HLCS-related conditions. Advanced modeling of protein sequence and biophysical properties (such as structural, functional, and spatial information, amino acid conservation, physicochemical variation, residue mobility, and thermodynamic stability) performed at Invitae indicates that this missense variant is expected to disrupt HLCS protein function. In summary, the available evidence is currently insufficient to determine the role of this variant in disease. Therefore, it has been classified as a Variant of Uncertain Significance.

NM_001352514.2(HLCS):c.919A>G (p.Lys307Glu)

Gene: HLCS (holocarboxylase synthetase; minus strand). Cytogenetic location: 21q22.13.
Variant type: single nucleotide variant.
Coding change: c.919A>G on transcript NM_001352514.2 (MANE Select); coding-DNA position 919, A replaced by G.
Protein change: p.Lys307Glu; replaces lysine 307 with glutamic acid.
Molecular consequence: missense variant. On other transcripts: non-coding transcript variant (2).
Genome position (GRCh38, 1-based): chr21:36,936,967, T>C on the plus strand (A>G on the coding strand, the complement: HLCS is on the minus strand). VCF-style: chr21-36936967-T-C. GRCh37 (hg19) VCF-style: chr21-38309267-T-C.
Other names: c.478A>G, p.Lys160Glu (NM_000411.8, NM_001242784.3, NM_001242785.2 and 4 more transcripts); c.478A>G (NM_000411.6); short protein forms K160E, K307E.
Identifiers: ClinVar variation 2154715 (VCV002154715.2), dbSNP rs199506593, ClinGen allele CA10020676.